The following is an entry in ClinVar:

ClinVar aggregate classification (germline): Uncertain significance. Review status: criteria provided, multiple submitters, no conflicts (2 of 4 stars). 5 submissions from 5 submitters: Uncertain significance (5). Last evaluated 2025-10-13.

Conditions:
Intrauterine growth retardation, metaphyseal dysplasia, adrenal hypoplasia congenita, genital anomalies, and immunodeficiency. Also called: IMAGEI SYNDROME. Identifiers: MedGen C5193036, MONDO:0032684, OMIM 618336.
Colorectal cancer, susceptibility to, 12 (CRCS12). Also called: COLORECTAL CANCER, SUSCEPTIBILITY TO, ON CHROMOSOME 12q24. Identifiers: Orphanet 220460, MedGen C3554460, MONDO:0014038, OMIM 615083.
Facial dysmorphism-immunodeficiency-livedo-short stature syndrome. Also called: FILS syndrome; Facial dysmorphism, immunodeficiency, livedo, and short stature. Identifiers: Orphanet 352712, MedGen C3554576, MONDO:0014058, OMIM 615139.
Hereditary cancer-predisposing syndrome. Also called: Hereditary neoplastic syndrome; Tumor predisposition; Neoplastic Syndromes, Hereditary; Hereditary Cancer Syndrome. Identifiers: Orphanet 140162, MedGen C0027672, MeSH D009386, MONDO:0015356.

gnomAD v4.1: 36 of 1,614,206 alleles (0.0022%); highest among the groups gnomAD compares: Non-Finnish European, 0.0029%; no homozygotes.

Submissions (5):

Labcorp Genetics (formerly Invitae), Labcorp
Classification: Uncertain significance. Last evaluated: 2025-10-13. Review status: criteria provided, single submitter. Criteria: Invitae Variant Classification Sherloc (09022015). Collection method: clinical testing. Allele origin: germline.
Comment: This sequence change replaces isoleucine, which is neutral and non-polar, with valine, which is neutral and non-polar, at codon 929 of the POLE protein (p.Ile929Val). This variant is not present in population databases (gnomAD no frequency). This variant has not been reported in the literature in individuals affected with POLE-related conditions. ClinVar contains an entry for this variant (Variation ID: 655288). Invitae Evidence Modeling of protein sequence and biophysical properties (such as structural, functional, and spatial information, amino acid conservation, physicochemical variation, residue mobility, and thermodynamic stability) indicates that this missense variant is not expected to disrupt POLE protein function with a negative predictive value of 80%. In summary, the available evidence is currently insufficient to determine the role of this variant in disease. Therefore, it has been classified as a Variant of Uncertain Significance.

GeneDx
Classification: Uncertain significance. Last evaluated: 2024-01-17. Review status: criteria provided, single submitter. Criteria: GeneDx Variant Classification Process June 2021. Collection method: clinical testing. Allele origin: germline. Affected: yes.
Comment: Not observed at significant frequency in large population cohorts (gnomAD); In silico analysis supports that this missense variant does not alter protein structure/function; Has not been previously published as pathogenic or benign to our knowledge; This variant is associated with the following publications: (PMID: 20951805)

Ambry Genetics
Classification: Uncertain significance for Hereditary cancer-predisposing syndrome. Last evaluated: 2023-12-29. Review status: criteria provided, single submitter. Criteria: Ambry Variant Classification Scheme 2023. Collection method: clinical testing. Allele origin: germline.
Comment: The p.I929V variant (also known as c.2785A>G), located in coding exon 24 of the POLE gene, results from an A to G substitution at nucleotide position 2785. The isoleucine at codon 929 is replaced by valine, an amino acid with highly similar properties. This amino acid position is conserved. In addition, the in silico prediction for this alteration is inconclusive. Since supporting evidence is limited at this time, the clinical significance of this alteration remains unclear.

Department of Pathology and Laboratory Medicine, Sinai Health System
Classification: Uncertain significance for Colorectal cancer, susceptibility to, 12; Facial dysmorphism-immunodeficiency-livedo-short stature syndrome; Intrauterine growth retardation, metaphyseal dysplasia, adrenal hypoplasia congenita, genital anomalies, and immunodeficiency. Last evaluated: 2023-02-16. Review status: criteria provided, single submitter. Criteria: ACMG Guidelines, 2015. Collection method: clinical testing. Allele origin: germline. Affected: yes.

Genetic Services Laboratory, University of Chicago
Classification: Uncertain significance. Last evaluated: 2020-09-17. Review status: criteria provided, single submitter. Criteria: ACMG Guidelines, 2015. Collection method: clinical testing. Allele origin: germline. Affected: no.
Comment: DNA sequence analysis of the POLE gene demonstrated a sequence change, c.2785A>G, in exon 24 that results in an amino acid change, p.Ile929Val. This sequence change does not appear to have been previously described in patients with POLE-related disorders and has also not been described in population databases (gnomAD, ExAC). The p.Ile929Val change affects a highly conserved amino acid residue located in a domain of the POLE protein that is known to be functional. The p.Ile929Val substitution appears to be deleterious using several in-silico pathogenicity prediction tools (SIFT, PolyPhen2, Align GVGD, REVEL). Due to the lack of functional studies, the clinical significance of the p.Ile929Val change remains unknown at this time.

NM_006231.4(POLE):c.2785A>G (p.Ile929Val)

Gene: POLE (DNA polymerase epsilon, catalytic subunit; minus strand). Cytogenetic location: 12q24.33.
Variant type: single nucleotide variant.
Coding change: c.2785A>G on transcript NM_006231.4 (MANE Select); coding-DNA position 2785, A replaced by G.
Protein change: p.Ile929Val; replaces isoleucine 929 with valine.
Molecular consequence: missense variant.
Genome position (GRCh38, 1-based): chr12:132,661,606, T>C on the plus strand (A>G on the coding strand, the complement: POLE is on the minus strand). VCF-style: chr12-132661606-T-C. GRCh37 (hg19) VCF-style: chr12-133238192-T-C.
Other names: short protein forms I929V.
Identifiers: ClinVar variation 655288 (VCV000655288.17), dbSNP rs765066823, ClinGen allele CA246317390.